The following is an entry in ClinVar:

NM_012254.3(SLC27A5):c.1182+7C>T

Gene: SLC27A5 (solute carrier family 27 member 5; minus strand). Cytogenetic location: 19q13.43.
Variant type: single nucleotide variant.
Coding change: c.1182+7C>T on transcript NM_012254.3 (MANE Select); 7 bases into the intron after coding-DNA position 1182, C replaced by T.
Molecular consequence: intron variant.
Genome position (GRCh38, 1-based): chr19:58,501,279, G>A on the plus strand (C>T on the coding strand, the complement: SLC27A5 is on the minus strand). VCF-style: chr19-58501279-G-A. GRCh37 (hg19) VCF-style: chr19-59012646-G-A.
Other names: c.930+7C>T (NM_001321196.2); c.1182+7C>T (NM_012254.2).
Identifiers: ClinVar variation 499213 (VCV000499213.10), dbSNP rs376013474, ClinGen allele CA9718087.

ClinVar aggregate classification (germline): Conflicting classifications of pathogenicity. Review status: criteria provided, conflicting classifications (1 of 4 stars). 3 submissions from 3 submitters: Uncertain significance (1); Likely benign (1). 1 of the submissions does not count toward it. Last evaluated 2023-12-31.

Conditions:
SLC27A5-related disorder. Also called: SLC27A5-related condition.

Allele frequency attached by ClinVar (database versions not stated): ExAC 0.00001; gnomAD 0.00001; gnomAD exomes 0.00001 and 0.00002; TOPMed 0.00003.
gnomAD v4.1: 26 of 1,612,374 alleles (0.0016%); highest among the groups gnomAD compares: East Asian, 0.027%; no homozygotes.

Submissions (3):

Labcorp Genetics (formerly Invitae), Labcorp
Classification: Likely benign. Last evaluated: 2023-12-31. Review status: criteria provided, single submitter. Criteria: Invitae Variant Classification Sherloc (09022015). Collection method: clinical testing. Allele origin: germline.

Eurofins Ntd Llc (ga)
Classification: Uncertain significance. Last evaluated: 2017-10-03. Review status: criteria provided, single submitter. Criteria: EGL Classification Definitions 2015. Collection method: clinical testing. Allele origin: germline. Observed: 3 variant alleles, 3 heterozygotes.

PreventionGenetics, part of Exact Sciences
Classification: Likely benign for SLC27A5-related condition. Last evaluated: 2021-03-04. Review status: no assertion criteria provided. Collection method: clinical testing. Allele origin: germline. Not counted in ClinVar's aggregate classification.
Comment: This variant is classified as likely benign based on ACMG/AMP sequence variant interpretation guidelines (Richards et al. 2015 PMID: 25741868, with internal and published modifications).